The following is an entry in ClinVar:

NM_005476.7(GNE):c.1593_1597del (p.Lys532fs)

Gene: GNE (glucosamine (UDP-N-acetyl)-2-epimerase/N-acetylmannosamine kinase; minus strand). Cytogenetic location: 9p13.3.
Variant type: Deletion.
Coding change: c.1593_1597del on transcript NM_005476.7 (MANE Select); coding-DNA positions 1593 to 1597, 5 bases deleted (AAAGG; older notation c.1593_1597delAAAGG).
Protein change: p.Lys532fs; shifts the reading frame from lysine 532.
Molecular consequence: frameshift variant. On other transcripts: intron variant (1).
Genome position (GRCh38, 1-based): chr9:36,222,813-36,222,817, CCTTT deleted on the plus strand (AAAGG on the coding strand, the reverse complement: GNE is on the minus strand); deleting any 5 consecutive bases within chr9:36,222,813-36,222,821 gives the same sequence; the c. name uses the placement nearest the transcript's 3' end. VCF-style (leftmost placement, unchanged base first): chr9-36222812-CCCTTT-C. GRCh37 (hg19) VCF-style: chr9-36222809-CCCTTT-C.
Other names: c.1686_1690del, p.Lys563fs (NM_001128227.3); c.1263_1267del, p.Lys422fs (NM_001190384.3); c.1416_1420del, p.Lys473fs (NM_001190388.2, NM_001374798.1); c.1440_1444del, p.Lys481fs (NM_001374797.1); c.1411+556_1411+560del (NM_001190383.3); c.1686_1690del (NM_001128227.2); short protein forms K422fs, K481fs, K473fs, K532fs, K563fs.
Identifiers: ClinVar variation 3597306 (VCV003597306.2).

ClinVar aggregate classification (germline): Likely pathogenic. Review status: criteria provided, multiple submitters, no conflicts (2 of 4 stars). 2 submissions from 2 submitters: Likely pathogenic (2). Last evaluated 2024-05-23.

Conditions:
GNE myopathy (NM). Also called: NONAKA DISTAL MYOPATHY; INCLUSION BODY MYOPATHY, HEREDITARY, AUTOSOMAL RECESSIVE; INCLUSION BODY MYOPATHY 2, AUTOSOMAL RECESSIVE; MYOPATHY, DISTAL, WITH OR WITHOUT RIMMED VACUOLES; IBM 2; Inclusion body myopathy autosomal recessive. Identifiers: Orphanet 602, MedGen C1853926, MONDO:0011603, OMIM 605820.
Thrombocytopenia 12 with or without myopathy (THC12). Identifiers: MedGen C5935593, MONDO:0958325, OMIM 620757.
Sialuria. Also called: SIALURIA, FRENCH TYPE; Sialic Acid Storage Disease. Identifiers: Orphanet 3166, MedGen C0342853, MONDO:0010028, OMIM 269921.

Submissions (2):

Natera, Inc.
Classification: Likely pathogenic for Nonaka myopathy. Last evaluated: 2024-05-23. Review status: criteria provided, single submitter. Criteria: Natera Variant Classification Schema (03/2026). Collection method: clinical testing. Allele origin: germline.
Comment: The c.1686_1690del variant in GNE is a frameshift variant predicted to shift the reading frame beginning at codon 563 and leads to a stop codon 22 codons downstream. This variant is expected to result in nonsense mediated decay, truncation, or a dysfunctional protein product. This variant is rare in the general population with a frequency below the threshold expected for the associated phenotype(s). Given the available evidence, this variant is classified as Likely Pathogenic.

Fulgent Genetics
Classification: Likely pathogenic for Sialuria; GNE myopathy; Thrombocytopenia 12 with or without myopathy. Last evaluated: 2024-02-02. Review status: criteria provided, single submitter. Criteria: ACMG Guidelines, 2015. Collection method: clinical testing. Allele origin: germline.